The following is an entry in ClinVar:

ClinVar aggregate classification (germline): Conflicting classifications of pathogenicity. Review status: criteria provided, conflicting classifications (1 of 4 stars). 2 submissions from 2 submitters: Likely pathogenic (1); Uncertain significance (1). Last evaluated 2026-06-17.

Conditions:
Autosomal dominant non-syndromic intellectual disability. Identifiers: Orphanet 178469, MedGen C5680502, MONDO:0015802.

Submissions (2):

GeneDx
Classification: Likely pathogenic. Last evaluated: 2026-06-17. Review status: criteria provided, single submitter. Criteria: GeneDx Variant Classification Process June 2021. Collection method: clinical testing. Allele origin: germline.
Comment: Intronic variant directly or indirectly altering the +5 splice site in a gene for which loss of function is a known mechanism of disease, and splice predictors support a deleterious effect; Not observed at significant frequency in large population cohorts (gnomAD); Has not been previously published as pathogenic or benign to our knowledge

Department of Human Genetics, University Hospital Bern, Inselspital
Classification: Uncertain significance for Autosomal dominant non-syndromic intellectual disability. Last evaluated: 2026-05-03. Review status: criteria provided, single submitter. Criteria: ACMG Guidelines, 2015. Collection method: clinical testing. Allele origin: inherited. Affected: yes.
Comment: The variant might impact splicing, however, with low prediction scores. The variant is absent from gnomAD v4.1.0. In summary, criterion PM2_Supporting was used.

Literature cited by the submitters: PubMed 42509346 (cited by Department of Human Genetics, University Hospital Bern, Inselspital).

NM_001256627.2(BRSK2):c.186+5_186+50del

Gene: BRSK2 (BR serine/threonine kinase 2; plus strand). Cytogenetic location: 11p15.5.
Variant type: Deletion.
Coding change: c.186+5_186+50del on transcript NM_001256627.2 (MANE Select); bases 5 to 50 of the intron after coding-DNA position 186, 46 bases deleted.
Molecular consequence: intron variant.
Genome position (GRCh38, 1-based): chr11:1,436,139-1,436,184, 46 bases deleted; deleting any 46 consecutive bases within chr11:1,436,137-1,436,184 gives the same sequence; the c. name uses the placement nearest the transcript's 3' end. GRCh37 (hg19): chr11:1,457,369-1,457,414.
Other names: c.186+5_186+50del (NM_001440665.1, NM_001440668.1, NM_001440670.1 and 3 more transcripts); c.6+5_6+50del (NM_001440674.1, NM_001440671.1, NM_001440672.1 and 5 more transcripts); c.324+5_324+50del (NM_001256630.1, NM_001440667.1).
Identifiers: ClinVar variation 4077193 (VCV004077193.3).